The following is an entry in ClinVar:

ClinVar aggregate classification (germline): Uncertain significance. Review status: criteria provided, multiple submitters, no conflicts (2 of 4 stars). 2 submissions from 2 submitters: Uncertain significance (2). Last evaluated 2022-07-12.

Conditions:
Joubert syndrome 21 (JBTS21). Identifiers: MedGen C3810212, MONDO:0014288, OMIM 615636.

Allele frequency attached by ClinVar (database versions not stated): gnomAD 0.00011.
gnomAD v4.1: 27 of 1,613,234 alleles (0.0017%); highest among the groups gnomAD compares: Admixed American, 0.023%; no homozygotes.

Submissions (2):

Labcorp Genetics (formerly Invitae), Labcorp
Classification: Uncertain significance for Joubert syndrome 21. Last evaluated: 2022-07-12. Review status: criteria provided, single submitter. Criteria: Invitae Variant Classification Sherloc (09022015). Collection method: clinical testing. Allele origin: germline.
Comment: This sequence change creates a premature translational stop signal (p.Arg1139*) in the CSPP1 gene. While this is not anticipated to result in nonsense mediated decay, it is expected to disrupt the last 83 amino acid(s) of the CSPP1 protein. This variant is present in population databases (no rsID available, gnomAD 0.006%). This variant has not been reported in the literature in individuals affected with CSPP1-related conditions. ClinVar contains an entry for this variant (Variation ID: 1418605). Experimental studies and prediction algorithms are not available or were not evaluated, and the functional significance of this variant is currently unknown. In summary, the available evidence is currently insufficient to determine the role of this variant in disease. Therefore, it has been classified as a Variant of Uncertain Significance.

Blueprint Genetics
Classification: Uncertain significance. Last evaluated: 2022-02-07. Review status: criteria provided, single submitter. Criteria: ACMG Guidelines, 2015. Collection method: clinical testing. Allele origin: germline.

NM_001382391.1(CSPP1):c.3430C>T (p.Arg1144Ter)

Genes: ARFGEF1 (ARF guanine nucleotide exchange factor 1; minus strand), CSPP1 (centrosome and spindle pole associated protein 1; plus strand). Cytogenetic location: 8q13.2.
Variant type: single nucleotide variant.
Coding change: c.3430C>T on transcript NM_001382391.1 (MANE Select); coding-DNA position 3430, C replaced by T.
Protein change: p.Arg1144Ter; replaces arginine 1144 with a stop codon.
Molecular consequence: nonsense. On other transcripts: intron variant (3).
Genome position (GRCh38, 1-based): chr8:67,193,563, C>T. VCF-style: chr8-67193563-C-T. GRCh37 (hg19) VCF-style: chr8-68105798-C-T.
Other names: c.2380C>T, p.Arg794Ter (NM_001291339.2); c.3349C>T, p.Arg1117Ter (NM_001363131.2); c.3235C>T, p.Arg1079Ter (NM_001363132.2); c.3154C>T, p.Arg1052Ter (NM_001363133.2); c.3496C>T, p.Arg1166Ter (NM_001364869.1); c.3316C>T, p.Arg1106Ter (NM_001364870.1); c.3262C>T, p.Arg1088Ter (NM_001438330.1); c.2731C>T, p.Arg911Ter (NM_001438332.1); and 4 more; short protein forms R1106*, R1079*, R1117*, R1139*, R1144*, R794*, R1052*, R1166*.
Identifiers: ClinVar variation 1418605 (VCV001418605.4), dbSNP rs200346372, ClinGen allele CA178218132.
Genomic context (GRCh38, chr8:67,193,563, plus strand): 5'-CTAAAATCTATATCCAGTGTAAATGTTGATGAGCTTAGAGTGAGAAATGAGGAACGAATG[C>T]GAAGACTGAATGAATTTCACAATAAACCTATTAATACAGGTAAATGACCAAGTGTAATGG-3'